The following is an entry in ClinVar:

NM_001048174.2(MUTYH):c.1417C>G (p.Gln473Glu)

Gene: MUTYH (mutY DNA glycosylase; minus strand). Cytogenetic location: 1p34.1.
Variant type: single nucleotide variant.
Coding change: c.1417C>G on transcript NM_001048174.2 (MANE Select); coding-DNA position 1417, C replaced by G.
Protein change: p.Gln473Glu; replaces glutamine 473 with glutamic acid.
Molecular consequence: missense variant. On other transcripts: non-coding transcript variant (7).
Genome position (GRCh38, 1-based): chr1:45,330,533, G>C on the plus strand (C>G on the coding strand, the complement: MUTYH is on the minus strand). VCF-style: chr1-45330533-G-C. GRCh37 (hg19) VCF-style: chr1-45796205-G-C.
Other names: c.1072C>G, p.Gln358Glu (NM_001350651.2, NM_001350650.2, NM_001407082.1); c.1450C>G, p.Gln484Glu (NM_001407069.1, NM_001407077.1, NM_001293191.2); c.1417C>G, p.Gln473Glu (NM_001407070.1, NM_001407072.1, NM_001407073.1 and 6 more transcripts); c.1420C>G, p.Gln474Glu (NM_001407071.1, NM_001407078.1, NM_001048172.2 and 1 more transcripts); c.1333C>G, p.Gln445Glu (NM_001407075.1); c.1378C>G, p.Gln460Glu (NM_001407079.1); c.1501C>G, p.Gln501Glu (NM_001128425.2); c.1462C>G, p.Gln488Glu (NM_001293190.2); and 5 more; short protein forms Q460E, Q473E, Q474E, Q488E, Q459E, Q501E, Q381E, Q445E.
Identifiers: ClinVar variation 4113293 (VCV004113293.1).
Genomic context (GRCh38, chr1:45,330,533, plus strand): 5'-CAGGCCTGGGGAGACACGGTTGGGAGAGGCCTAGGAGACTTACCATACAGGTCCCTGGCT[G>C]TTGGCCCTGATACACACGGAAAACCTAGACAAGAAGACAGGGAGGTGAGGGCTGGCACTT-3'
Protein context (NP_001041639.1, residues 463-483): KKVFRVYQGQ[Gln473Glu]PGTCMGSKRS

ClinVar aggregate classification (germline): Uncertain significance (1 of 4 stars; one submission).

Conditions:
Hereditary cancer-predisposing syndrome. Also called: Tumor predisposition; Neoplastic Syndromes, Hereditary; Hereditary neoplastic syndrome; Hereditary Cancer Syndrome. Identifiers: Orphanet 140162, MedGen C0027672, MeSH D009386, MONDO:0015356.

Submission:

Ambry Genetics
Classification: Uncertain significance for Hereditary cancer-predisposing syndrome. Last evaluated: 2025-08-27. Review status: criteria provided, single submitter. Criteria: Ambry Variant Classification Scheme 2023. Collection method: clinical testing. Allele origin: germline.
Comment: The p.Q501E variant (also known as c.1501C>G), located in coding exon 15 of the MUTYH gene, results from a C to G substitution at nucleotide position 1501. The glutamine at codon 501 is replaced by glutamic acid, an amino acid with highly similar properties. This amino acid position is conserved. In addition, this alteration is predicted to be tolerated by in silico analysis. Based on the available evidence, the clinical significance of this variant remains unclear.